The following continues an entry in ClinVar:

NM_000059.4(BRCA2):c.6148G>A (p.Val2050Ile)

Gene: BRCA2. ClinVar aggregate classification (germline): Conflicting classifications of pathogenicity. Uncertain significance (10); Likely benign (2).

Submissions 8 to 16 of 16:

GeneDx
Classification: Uncertain significance. Last evaluated: 2023-03-15. Review status: criteria provided, single submitter. Criteria: GeneDx Variant Classification Process June 2021. Collection method: clinical testing. Allele origin: germline. Affected: yes.
Comment: Identified in patients with breast cancer, but also in cancer-free controls (Suter et al., 2004; Zhong et al., 2016; Momozawa et al., 2018; Chen et al., 2020; Dong et al., 2021); In silico analysis supports that this missense variant does not alter protein structure/function; Not observed at significant frequency in large population cohorts (gnomAD); Also known as 6376G>A; This variant is associated with the following publications: (PMID: 30287823, Yongzhe2018[CaseReport], 30702160, Dong2015[CaseReport], 27257965, 14973102, 31825140, 29884841, 35300142, 32377563, 32091409, 32467295)

Women's Health and Genetics/Laboratory Corporation of America, LabCorp
Classification: Uncertain significance. Last evaluated: 2021-10-02. Review status: criteria provided, single submitter. Criteria: LabCorp Variant Classification Summary - May 2015. Collection method: clinical testing. Allele origin: germline.
Comment: Variant summary: BRCA2 c.6148G>A (p.Val2050Ile) results in a conservative amino acid change located in the BRCA2 repeat region (IPR002093) of the encoded protein sequence. Five of five in-silico tools predict a benign effect of the variant on protein function. The variant allele was found at a frequency of 1.7e-05 in 298992 control chromosomes. The available data on variant occurrences in the general population are insufficient to allow any conclusion about variant significance. c.6148G>A has been reported in the literature in two Chinese individuals affected with breast cancer (Suter_2004, Zhong_2016). The variant was also reported in a large case-control association study, involving unselected breast cancer (BrC) patients and controls of Japanese ancestry, and was found in 5 healthy (3/11241 female, 2/12490 male) controls and in none of the affected cases (7051 female and 53 male) (Momozawa_2018). At-least one co-occurrence with another pathogenic variant has been observed at our laboratory (BRCA1 c.4485-2A>G), providing supporting evidence for a benign role. To our knowledge, no experimental evidence demonstrating an impact on protein function has been reported. Four clinical diagnostic laboratories have submitted clinical-significance assessments for this variant to ClinVar after 2014 without evidence for independent evaluation. All laboratories classified the variant as uncertain significance. Based on the evidence outlined above, the variant was classified as VUS-possibly benign.

Blueprint Genetics
Classification: Uncertain significance. Last evaluated: 2020-12-10. Review status: criteria provided, single submitter. Criteria: ACMG Guidelines, 2015. Collection method: clinical testing. Allele origin: germline.

Fulgent Genetics
Classification: Uncertain significance for Familial cancer of breast; Medulloblastoma; Familial prostate cancer; Wilms tumor 1; Fanconi anemia complementation group D1; Breast-ovarian cancer, familial, susceptibility to, 2; Glioma susceptibility 3; Pancreatic cancer, susceptibility to, 2. Last evaluated: 2018-10-31. Review status: criteria provided, single submitter. Criteria: ACMG Guidelines, 2015. Collection method: clinical testing. Allele origin: unknown.

Laboratory of Molecular Diagnosis of Cancer, West China Hospital, Sichuan University
Classification: Uncertain significance for Breast neoplasm. Last evaluated: 2015-11-01. Review status: criteria provided, single submitter. Criteria: ACMG Guidelines, 2015. Collection method: research. Allele origin: germline. Affected: yes. Observed: 1 variant allele.

Sharing Clinical Reports Project (SCRP)
Classification: Uncertain significance for Breast-ovarian cancer, familial 2. Last evaluated: 2012-05-01. Review status: no assertion criteria provided. Collection method: clinical testing. Allele origin: germline. Not counted in ClinVar's aggregate classification.

Breast Cancer Information Core (BIC) (BRCA2)
Classification: Uncertain significance for Breast-ovarian cancer, familial 2. Last evaluated: 2004-02-20. Review status: no assertion criteria provided. Collection method: clinical testing. Allele origin: germline. Affected: yes. Observed: 2 variant alleles. Not counted in ClinVar's aggregate classification.

Center for Precision Medicine, Meizhou People's Hospital
Classification: Uncertain significance for Familial cancer of breast. Review status: no assertion criteria provided. Collection method: literature only. Allele origin: germline. Affected: yes. Not counted in ClinVar's aggregate classification.

Department of Pathology and Laboratory Medicine, Sinai Health System
Classification: Uncertain significance for Malignant tumor of breast. Review status: no assertion criteria provided. Collection method: clinical testing. Allele origin: unknown. Affected: yes. Study: The Canadian Open Genetics Repository (COGR). Not counted in ClinVar's aggregate classification.
Comment: The BRCA2 p.Val2050Ile variant was identified in 3 of 16606 proband chromosomes (frequency: 0.00018) from individuals or families with breast cancer and was present in 3 of 23120 control chromosomes (frequency: 0.00013) from healthy individuals (Suter 2004, Momozawa 2018, Zhong 2016,Dong 2015). The variant was also identified in dbSNP (ID: rs80358854) as "With Uncertain significance allele", ClinVar (classified as uncertain significance by Ambry Genetics, Sharing Clinical Reports, BIC, and West China Hospital), and in the LOVD 3.0 database. The variant was not identified in the UMD-LSDB database. The variant was not identified in the following control databases: the Exome Aggregation Consortium (August 8th 2016), or the Genome Aggregation Database (Feb 27, 2017). The p.Val2050 residue is not conserved in mammals and computational analyses (PolyPhen-2, SIFT, AlignGVGD, BLOSUM, MutationTaster) do not suggest a high likelihood of impact to the protein; however this information is not predictive enough to rule out pathogenicity. The variant occurs outside of the splicing consensus sequence and 3 of 4 in silico or computational prediction software programs (SpliceSiteFinder, MaxEntScan, NNSPLICE, GeneSplicer) predict a greater than 10% difference in splicing; however this information is not predictive enough to assume pathogenicity. In summary, based on the above information the clinical significance of this variant cannot be determined with certainty at this time. This variant is classified as a variant of uncertain significance.

Literature cited by the submitters: PubMed 14973102 (cited by 6 submitters); PubMed 27257965 (cited by 7 submitters); PubMed 30287823 (cited by 6 submitters); PubMed 30702160 (cited by 4 submitters); PubMed 31825140 (cited by Ambry Genetics); PubMed 31214711 (cited by Color Diagnostics, LLC DBA Color Health and All of Us Research Program, National Institutes of Health); PubMed 32980694 (cited by Color Diagnostics, LLC DBA Color Health and All of Us Research Program, National Institutes of Health); PubMed 35918668 (cited by 3 submitters); PubMed 37731132 (cited by 3 submitters); PubMed 10923033 (cited by Labcorp Genetics (formerly Invitae), Labcorp); PubMed 32467295 (cited by Quest Diagnostics Nichols Institute San Juan Capistrano); PubMed 36243179 (cited by Quest Diagnostics Nichols Institute San Juan Capistrano).